The following is an entry in ClinVar:

NM_001145210.3(ANKRD65):c.1142C>T (p.Ala381Val)

Gene: ANKRD65 (ankyrin repeat domain 65; minus strand). Cytogenetic location: 1p36.33.
Variant type: single nucleotide variant.
Coding change: c.1142C>T on transcript NM_001145210.3 (MANE Select); coding-DNA position 1142, C replaced by T.
Protein change: p.Ala381Val; replaces alanine 381 with valine.
Molecular consequence: missense variant. On other transcripts: 3 prime UTR variant (4).
Genome position (GRCh38, 1-based): chr1:1,419,158, G>A on the plus strand (C>T on the coding strand, the complement: ANKRD65 is on the minus strand). VCF-style: chr1-1419158-G-A. GRCh37 (hg19) VCF-style: chr1-1354538-G-A.
Other names: c.*76C>T (NM_001243535.2, NM_001375659.1); c.*384C>T (NM_001243536.2, NM_001375660.1); short protein forms A381V.
Identifiers: ClinVar variation 2638008 (VCV002638008.24), dbSNP rs185838741, ClinGen allele CA522822.

ClinVar aggregate classification (germline): Likely benign (1 of 4 stars; one submission).

Allele frequency attached by ClinVar (database versions not stated): gnomAD 0.00261; TOPMed 0.00273; 1000 Genomes Project 0.00399; 1000 Genomes Project 30x 0.00406; ExAC 0.00979.
gnomAD v4.1: 4,815 of 1,542,610 alleles (0.31%); highest among the groups gnomAD compares: Middle Eastern, 1.5%; 29 homozygotes.

Submission:

CeGaT Center for Human Genetics Tuebingen
Classification: Likely benign. Last evaluated: 2022-11-01. Review status: criteria provided, single submitter. Criteria: CeGaT Center For Human Genetics Tuebingen Variant Classification Criteria Version 2. Collection method: clinical testing. Allele origin: germline. Affected: yes. Observed: 1 variant allele.
Comment: ANKRD65: BP4, BS2